The following is an entry in ClinVar:

NM_000321.3(RB1):c.1684G>T (p.Ala562Ser)

Gene: RB1 (RB transcriptional corepressor 1; plus strand). Cytogenetic location: 13q14.2.
Variant type: single nucleotide variant.
Coding change: c.1684G>T on transcript NM_000321.3 (MANE Select); coding-DNA position 1684, G replaced by T.
Protein change: p.Ala562Ser; replaces alanine 562 with serine.
Molecular consequence: missense variant.
Genome position (GRCh38, 1-based): chr13:48,381,432, G>T. VCF-style: chr13-48381432-G-T. GRCh37 (hg19) VCF-style: chr13-48955568-G-T.
Other names: c.1684G>T, p.Ala562Ser (NM_001407165.1, NM_001407166.1); short protein forms A562S.
Identifiers: ClinVar variation 2562061 (VCV002562061.2), dbSNP rs2138145788, ClinGen allele CA388164049.

ClinVar aggregate classification (germline): Uncertain significance (1 of 4 stars; one submission).

Conditions:
Hereditary cancer-predisposing syndrome. Also called: Neoplastic Syndromes, Hereditary; Hereditary Cancer Syndrome; Hereditary neoplastic syndrome; Tumor predisposition. Identifiers: Orphanet 140162, MedGen C0027672, MeSH D009386, MONDO:0015356.

Allele frequency attached by ClinVar (database versions not stated): gnomAD exomes below 0.00001.
gnomAD v4.1: 1 of 1,613,508 alleles (0.000062%); highest among the groups gnomAD compares: Non-Finnish European, 0.000085%; no homozygotes.

Submission:

Ambry Genetics
Classification: Uncertain significance for Hereditary cancer-predisposing syndrome. Last evaluated: 2023-03-17. Review status: criteria provided, single submitter. Criteria: Ambry Variant Classification Scheme 2023. Collection method: clinical testing. Allele origin: germline.
Comment: The p.A562S variant (also known as c.1684G>T), located in coding exon 17 of the RB1 gene, results from a G to T substitution at nucleotide position 1684. The alanine at codon 562 is replaced by serine, an amino acid with similar properties. This amino acid position is conserved. In addition, this alteration is predicted to be deleterious by in silico analysis. Since supporting evidence is limited at this time, the clinical significance of this alteration remains unclear.